The following is an entry in ClinVar:

ClinVar aggregate classification (germline): Likely benign. Review status: criteria provided, single submitter (1 of 4 stars). 2 submissions from 2 submitters: Likely benign (1). 1 of the submissions does not count toward it. Last evaluated 2022-05-21.

Conditions:
LRRK2-related disorder. Also called: LRRK2-related condition.
Inborn genetic diseases. Identifiers: MedGen C0950123, MeSH D030342.

Allele frequency attached by ClinVar (database versions not stated): gnomAD exomes below 0.00001; ExAC 0.00001; gnomAD 0.00001; TOPMed 0.00001.
gnomAD v4.1: 11 of 1,613,898 alleles (0.00068%); highest among the groups gnomAD compares: East Asian, 0.0045%; no homozygotes.

Submissions (2):

Ambry Genetics
Classification: Likely benign for Inborn genetic diseases. Last evaluated: 2022-05-21. Review status: criteria provided, single submitter. Criteria: Ambry Variant Classification Scheme 2023. Collection method: clinical testing. Allele origin: germline.

PreventionGenetics, part of Exact Sciences
Classification: Likely benign for LRRK2-related condition. Last evaluated: 2023-11-17. Review status: no assertion criteria provided. Collection method: clinical testing. Allele origin: germline. Not counted in ClinVar's aggregate classification.
Comment: This variant is classified as likely benign based on ACMG/AMP sequence variant interpretation guidelines (Richards et al. 2015 PMID: 25741868, with internal and published modifications).

NM_198578.4(LRRK2):c.3045G>A (p.Lys1015=)

Gene: LRRK2 (leucine rich repeat kinase 2; plus strand). Cytogenetic location: 12q12.
Variant type: single nucleotide variant.
Coding change: c.3045G>A on transcript NM_198578.4 (MANE Select); coding-DNA position 3045, G replaced by A.
Protein change: p.Lys1015=; no amino-acid change (lysine 1015 retained).
Molecular consequence: synonymous variant.
Genome position (GRCh38, 1-based): chr12:40,295,593, G>A. VCF-style: chr12-40295593-G-A. GRCh37 (hg19) VCF-style: chr12-40689395-G-A.
Identifiers: ClinVar variation 1799195 (VCV001799195.4), dbSNP rs773466437, ClinGen allele CA6513816.
Genomic context (GRCh38, chr12:40,295,593, plus strand): 5'-AGATATTGATGCCCTAAGCCAGAAATGCTGTATAAGTGTTCATTTGGAGCATCTTGAAAA[G>A]CTGGAGCTTCACCAGAATGCACTCACGAGCTTTCCACAACAGCTATGTGAAGTAAATTTA-3'
Protein context (NP_940980.4, residues 1005-1025): CISVHLEHLE[Lys1015=]LELHQNALTS